The following is an entry in ClinVar:

NM_000214.3(JAG1):c.225C>A (p.Phe75Leu)

Gene: JAG1 (jagged canonical Notch ligand 1; minus strand). Cytogenetic location: 20p12.2.
Variant type: single nucleotide variant.
Coding change: c.225C>A on transcript NM_000214.3 (MANE Select); coding-DNA position 225, C replaced by A.
Protein change: p.Phe75Leu; replaces phenylalanine 75 with leucine.
Molecular consequence: missense variant.
Genome position (GRCh38, 1-based): chr20:10,672,863, G>T on the plus strand (C>A on the coding strand, the complement: JAG1 is on the minus strand). VCF-style: chr20-10672863-G-T. GRCh37 (hg19) VCF-style: chr20-10653511-G-T.
Other names: c.225C>A, p.Phe75Leu (LRG_1191t1); short protein forms F75L.
Identifiers: ClinVar variation 650897 (VCV000650897.10), dbSNP rs1600196460, ClinGen allele CA408243206.
Genomic context (GRCh38, chr20:10,672,863, plus strand): 5'-GCCGAAGCTGCAGGGCCCCCCGGCCGTGACGCGGGACTGATACTCCTTGAGGCACACTTT[G>T]AAGTATGTGTCACACTCGTCGCGGGTGCACTTGCGGTCTCCCGGGTTCCGGGCGCCGCCG-3'
Protein context (NP_000205.1, residues 65-85): KCTRDECDTY[Phe75Leu]KVCLKEYQSR

ClinVar aggregate classification (germline): Uncertain significance (1 of 4 stars; one submission).

Conditions:
Alagille syndrome due to a JAG1 point mutation. Also called: JAG1-Related Alagille Syndrome; Alagille Syndrome 1; HEPATIC DUCTULAR HYPOPLASIA, SYNDROMATIC. Identifiers: Orphanet 261619, Orphanet 52, MedGen C1956125, MONDO:0016862, OMIM 118450.

Submissions (2):

Labcorp Genetics (formerly Invitae), Labcorp
Classification: Uncertain significance for Alagille syndrome due to a JAG1 point mutation. Last evaluated: 2018-12-26. Review status: criteria provided, single submitter. Criteria: Invitae Variant Classification Sherloc (09022015). Collection method: clinical testing. Allele origin: germline.
Comment: This sequence change replaces phenylalanine with leucine at codon 75 of the JAG1 protein (p.Phe75Leu). The phenylalanine residue is highly conserved and there is a small physicochemical difference between phenylalanine and leucine. This variant is not present in population databases (ExAC no frequency). This missense change has been observed in individuals affected with Alagille syndrome (PMID: 21752016, 28695677). Algorithms developed to predict the effect of missense changes on protein structure and function are either unavailable or do not agree on the potential impact of this missense change (SIFT: "Deleterious"; PolyPhen-2: "Probably Damaging"; Align-GVGD: "Class C15"). In summary, the available evidence is currently insufficient to determine the role of this variant in disease. Therefore, it has been classified as a Variant of Uncertain Significance.

Gilbert/Spinner Lab, Children's Hospital of Philadelphia
No classification provided (evidence only). Condition: Alagille syndrome. Review status: no classification provided. Collection method: research. Allele origin: not applicable. Functional consequence: functionally_abnormal. Not counted in ClinVar's aggregate classification.
ClinVar note: "not provided" was previously submitted as the classification for the variant. However, the classification appeared to be based only on an observation of functional data so it was converted to no classification on 2025-07-30.

Literature cited by the submitters: PubMed 21752016 (cited by Labcorp Genetics (formerly Invitae), Labcorp); PubMed 28695677 (cited by Labcorp Genetics (formerly Invitae), Labcorp).